The following is an entry in ClinVar:

ClinVar aggregate classification (germline): Uncertain significance (1 of 4 stars; one submission).

gnomAD v4.1: 1 of 1,613,756 alleles (0.000062%); highest among the groups gnomAD compares: Middle Eastern, 0.017%; no homozygotes.

Submission:

Labcorp Genetics (formerly Invitae), Labcorp
Classification: Uncertain significance. Last evaluated: 2023-01-13. Review status: criteria provided, single submitter. Criteria: Invitae Variant Classification Sherloc (09022015). Collection method: clinical testing. Allele origin: germline.
Comment: In summary, the available evidence is currently insufficient to determine the role of this variant in disease. Therefore, it has been classified as a Variant of Uncertain Significance. Algorithms developed to predict the effect of missense changes on protein structure and function (SIFT, PolyPhen-2, Align-GVGD) all suggest that this variant is likely to be tolerated. This missense change has been observed in individual(s) with clinical features of obesity, hyperphagia, and developmental delay (external communication). This variant is not present in population databases (gnomAD no frequency). This sequence change replaces proline, which is neutral and non-polar, with alanine, which is neutral and non-polar, at codon 10 of the NTRK2 protein (p.Pro10Ala).

NM_006180.6(NTRK2):c.28C>G (p.Pro10Ala)

Gene: NTRK2 (neurotrophic receptor tyrosine kinase 2; plus strand). Cytogenetic location: 9q21.33.
Variant type: single nucleotide variant.
Coding change: c.28C>G on transcript NM_006180.6 (MANE Select); coding-DNA position 28, C replaced by G.
Protein change: p.Pro10Ala; replaces proline 10 with alanine.
Molecular consequence: missense variant.
Genome position (GRCh38, 1-based): chr9:84,670,776, C>G. VCF-style: chr9-84670776-C-G. GRCh37 (hg19) VCF-style: chr9-87285691-C-G.
Other names: c.28C>G, p.Pro10Ala (NM_001007097.3, NM_001018064.3, NM_001018065.2 and 19 more transcripts); short protein forms P10A.
Identifiers: ClinVar variation 3001959 (VCV003001959.3), dbSNP rs1359560976, ClinGen allele CA374004580.